The following is an entry in ClinVar:

NM_033004.4(NLRP1):c.343G>A (p.Ala115Thr)

Gene: NLRP1 (NLR family pyrin domain containing 1; minus strand). Cytogenetic location: 17p13.2.
Variant type: single nucleotide variant.
Coding change: c.343G>A on transcript NM_033004.4 (MANE Select); coding-DNA position 343, G replaced by A.
Protein change: p.Ala115Thr; replaces alanine 115 with threonine.
Molecular consequence: missense variant.
Genome position (GRCh38, 1-based): chr17:5,582,775, C>T on the plus strand (G>A on the coding strand, the complement: NLRP1 is on the minus strand). VCF-style: chr17-5582775-C-T. GRCh37 (hg19) VCF-style: chr17-5486095-C-T.
Other names: c.343G>A, p.Ala115Thr (NM_001033053.3, NM_014922.5, NM_033006.4 and 1 more transcripts); short protein forms A115T.
Identifiers: ClinVar variation 1921166 (VCV001921166.5), dbSNP rs200012608, ClinGen allele CA8327597.

ClinVar aggregate classification (germline): Uncertain significance (1 of 4 stars; one submission).

Allele frequency attached by ClinVar (database versions not stated): gnomAD 0.00004; TOPMed 0.00005; ESP Exome Variant Server 0.00008.
gnomAD v4.1: 25 of 1,613,896 alleles (0.0015%); highest among the groups gnomAD compares: African/African-American, 0.004%; no homozygotes.

Submission:

Labcorp Genetics (formerly Invitae), Labcorp
Classification: Uncertain significance. Last evaluated: 2025-07-13. Review status: criteria provided, single submitter. Criteria: Invitae Variant Classification Sherloc (09022015). Collection method: clinical testing. Allele origin: germline.
Comment: This sequence change replaces alanine, which is neutral and non-polar, with threonine, which is neutral and polar, at codon 115 of the NLRP1 protein (p.Ala115Thr). This variant is present in population databases (rs200012608, gnomAD 0.01%). This variant has not been reported in the literature in individuals affected with NLRP1-related conditions. ClinVar contains an entry for this variant (Variation ID: 1921166). An algorithm developed to predict the effect of missense changes on protein structure and function (PolyPhen-2) suggests that this variant is likely to be tolerated. In summary, the available evidence is currently insufficient to determine the role of this variant in disease. Therefore, it has been classified as a Variant of Uncertain Significance.